The following is an entry in ClinVar:

ClinVar aggregate classification (germline): Uncertain significance. Review status: criteria provided, multiple submitters, no conflicts (2 of 4 stars). 3 submissions from 3 submitters: Uncertain significance (3). Last evaluated 2025-04-03.

Conditions:
Fanconi anemia complementation group J. Also called: BRIP1-Related Fanconi Anemia. Identifiers: Orphanet 84, MedGen C1836860, MONDO:0012187, OMIM 609054.
Familial cancer of breast. Also called: BREAST CANCER, FAMILIAL; Hereditary breast cancer; hereditary breast carcinoma. Identifiers: Orphanet 227535, MedGen C0346153, MONDO:0016419, OMIM 114480. Disease mechanism: loss of function.
Hereditary cancer-predisposing syndrome. Also called: Hereditary neoplastic syndrome; Neoplastic Syndromes, Hereditary; Tumor predisposition; Hereditary Cancer Syndrome. Identifiers: Orphanet 140162, MedGen C0027672, MeSH D009386, MONDO:0015356.

gnomAD v4.1: 1 of 1,610,636 alleles (0.000062%); highest among the groups gnomAD compares: South Asian, 0.0011%; no homozygotes.

Submissions (3):

Ambry Genetics
Classification: Uncertain significance for Hereditary cancer-predisposing syndrome. Last evaluated: 2025-04-03. Review status: criteria provided, single submitter. Criteria: Ambry Variant Classification Scheme 2023. Collection method: clinical testing. Allele origin: germline.
Comment: The p.G615S variant (also known as c.1843G>A), located in coding exon 12 of the BRIP1 gene, results from a G to A substitution at nucleotide position 1843. The glycine at codon 615 is replaced by serine, an amino acid with similar properties. This variant was not reported in population based cohorts in the following databases: Database of Single Nucleotide Polymorphisms (dbSNP), NHLBI Exome Sequencing Project (ESP), and 1000 Genomes Project. In the ESP, this variant was not observed in 6503 samples (13006 alleles) with coverage at this position. To date, this alteration has been detected with an allele frequency of approximately 0.001% (greater than 120000 alleles tested) in our clinical cohort. This amino acid position is highly conserved in available vertebrate species. In addition, this alteration is predicted to be deleterious by in silico analysis. Since supporting evidence is limited at this time, the clinical significance of this alteration remains unclear.

Labcorp Genetics (formerly Invitae), Labcorp
Classification: Uncertain significance for Familial cancer of breast; Fanconi anemia complementation group J. Last evaluated: 2024-07-15. Review status: criteria provided, single submitter. Criteria: Invitae Variant Classification Sherloc (09022015). Collection method: clinical testing. Allele origin: germline.
Comment: This sequence change replaces glycine, which is neutral and non-polar, with serine, which is neutral and polar, at codon 615 of the BRIP1 protein (p.Gly615Ser). This variant is not present in population databases (gnomAD no frequency). This variant has not been reported in the literature in individuals affected with BRIP1-related conditions. ClinVar contains an entry for this variant (Variation ID: 483152). Advanced modeling of protein sequence and biophysical properties (such as structural, functional, and spatial information, amino acid conservation, physicochemical variation, residue mobility, and thermodynamic stability) performed at Invitae indicates that this missense variant is expected to disrupt BRIP1 protein function with a positive predictive value of 80%. In summary, the available evidence is currently insufficient to determine the role of this variant in disease. Therefore, it has been classified as a Variant of Uncertain Significance.

Color Diagnostics, LLC DBA Color Health
Classification: Uncertain significance for Hereditary cancer-predisposing syndrome. Last evaluated: 2024-03-06. Review status: criteria provided, single submitter. Criteria: ACMG Guidelines, 2015. Collection method: clinical testing. Allele origin: germline.
Comment: This missense variant replaces glycine with serine at codon 615 of the BRIP1 protein. Computational prediction suggests that this variant may have deleterious impact on protein structure and function (internally defined REVEL score threshold >= 0.7, PMID: 27666373). To our knowledge, functional studies have not been reported for this variant. This variant has not been reported in individuals affected with hereditary cancer in the literature. This variant has not been identified in the general population by the Genome Aggregation Database (gnomAD). The available evidence is insufficient to determine the role of this variant in disease conclusively. Therefore, this variant is classified as a Variant of Uncertain Significance.

NM_032043.3(BRIP1):c.1843G>A (p.Gly615Ser)

Gene: BRIP1 (BRCA1 interacting DNA helicase 1; minus strand). Cytogenetic location: 17q23.2.
Variant type: single nucleotide variant.
Coding change: c.1843G>A on transcript NM_032043.3 (MANE Select); coding-DNA position 1843, G replaced by A.
Protein change: p.Gly615Ser; replaces glycine 615 with serine.
Molecular consequence: missense variant.
Genome position (GRCh38, 1-based): chr17:61,780,353, C>T on the plus strand (G>A on the coding strand, the complement: BRIP1 is on the minus strand). VCF-style: chr17-61780353-C-T. GRCh37 (hg19) VCF-style: chr17-59857714-C-T.
Other names: short protein forms G615S.
Identifiers: ClinVar variation 483152 (VCV000483152.11), dbSNP rs1555602203, ClinGen allele CA400480133.